The following is an entry in ClinVar:

NM_001943.5(DSG2):c.526A>G (p.Thr176Ala)

Gene: DSG2 (desmoglein 2; plus strand). Cytogenetic location: 18q12.1.
Variant type: single nucleotide variant.
Coding change: c.526A>G on transcript NM_001943.5 (MANE Select); coding-DNA position 526, A replaced by G.
Protein change: p.Thr176Ala; replaces threonine 176 with alanine.
Molecular consequence: missense variant.
Genome position (GRCh38, 1-based): chr18:31,522,085, A>G. VCF-style: chr18-31522085-A-G. GRCh37 (hg19) VCF-style: chr18-29102048-A-G.
Other names: short protein forms T176A.
Identifiers: ClinVar variation 4709664 (VCV004709664.1).

ClinVar aggregate classification (germline): Uncertain significance (1 of 4 stars; one submission).

Conditions:
Arrhythmogenic right ventricular dysplasia 10. Also called: Arrhythmogenic Right Ventricular Dysplasia/Cardiomyopathy10; ARRHYTHMOGENIC RIGHT VENTRICULAR DYSPLASIA, FAMILIAL, 10; Arrhythmogenic right ventricular dysplasia/cardiomyopathy, type 10. Identifiers: MedGen C1857777, MONDO:0012434, OMIM 610193.

Submission:

Labcorp Genetics (formerly Invitae), Labcorp
Classification: Uncertain significance for Arrhythmogenic right ventricular dysplasia 10. Last evaluated: 2025-06-11. Review status: criteria provided, single submitter. Criteria: Invitae Variant Classification Sherloc (09022015). Collection method: clinical testing. Allele origin: germline.
Comment: This sequence change replaces threonine, which is neutral and polar, with alanine, which is neutral and non-polar, at codon 176 of the DSG2 protein (p.Thr176Ala). This variant is not present in population databases (gnomAD no frequency). This variant has not been reported in the literature in individuals affected with DSG2-related conditions. Invitae Evidence Modeling of protein sequence and biophysical properties (such as structural, functional, and spatial information, amino acid conservation, physicochemical variation, residue mobility, and thermodynamic stability) indicates that this missense variant is not expected to disrupt DSG2 protein function with a negative predictive value of 95%. In summary, the available evidence is currently insufficient to determine the role of this variant in disease. Therefore, it has been classified as a Variant of Uncertain Significance.